The following is an entry in ClinVar:

ClinVar aggregate classification (germline): Likely benign. Review status: criteria provided, multiple submitters, no conflicts (2 of 4 stars). 3 submissions from 3 submitters: Likely benign (3). Last evaluated 2025-07-01.

Conditions:
Cardiovascular phenotype. Identifiers: MedGen CN230736.
Alstrom syndrome (ALMS). Identifiers: Orphanet 64, MedGen C0268425, MONDO:0008763, OMIM 203800.

Allele frequency attached by ClinVar (database versions not stated): gnomAD exomes below 0.00001.
gnomAD v4.1: 1 of 1,613,778 alleles (0.000062%); highest among the groups gnomAD compares: Non-Finnish European, 0.000085%; no homozygotes.

Submissions (3):

CeGaT Center for Human Genetics Tuebingen
Classification: Likely benign. Last evaluated: 2025-07-01. Review status: criteria provided, single submitter. Criteria: CeGaT Center For Human Genetics Tuebingen Variant Classification Criteria Version 2. Collection method: clinical testing. Allele origin: germline. Affected: yes. Observed: 1 variant allele.
Comment: ALMS1: BP4, BP7

Labcorp Genetics (formerly Invitae), Labcorp
Classification: Likely benign for Alstrom syndrome. Last evaluated: 2025-05-05. Review status: criteria provided, single submitter. Criteria: Invitae Variant Classification Sherloc (09022015). Collection method: clinical testing. Allele origin: germline.

Ambry Genetics
Classification: Likely benign for Cardiovascular phenotype. Last evaluated: 2021-12-07. Review status: criteria provided, single submitter. Criteria: Ambry Variant Classification Scheme 2023. Collection method: clinical testing. Allele origin: germline.

NM_001378454.1(ALMS1):c.6405A>G (p.Pro2135=)

Gene: ALMS1 (ALMS1 centrosome and basal body associated protein; plus strand). Cytogenetic location: 2p13.1.
Variant type: single nucleotide variant.
Coding change: c.6405A>G on transcript NM_001378454.1 (MANE Select); coding-DNA position 6405, A replaced by G.
Protein change: p.Pro2135=; no amino-acid change (proline 2135 retained).
Molecular consequence: synonymous variant.
Genome position (GRCh38, 1-based): chr2:73,452,932, A>G. VCF-style: chr2-73452932-A-G. GRCh37 (hg19) VCF-style: chr2-73680059-A-G.
Other names: c.6408A>G, p.Pro2136= (NM_015120.4).
Identifiers: ClinVar variation 1143586 (VCV001143586.19), dbSNP rs2103789974, ClinGen allele CA427022627.